The following is an entry in ClinVar:

NM_001943.5(DSG2):c.455T>C (p.Ile152Thr)

Gene: DSG2 (desmoglein 2; plus strand). Cytogenetic location: 18q12.1.
Variant type: single nucleotide variant.
Coding change: c.455T>C on transcript NM_001943.5 (MANE Select); coding-DNA position 455, T replaced by C.
Protein change: p.Ile152Thr; replaces isoleucine 152 with threonine.
Molecular consequence: missense variant.
Genome position (GRCh38, 1-based): chr18:31,521,175, T>C. VCF-style: chr18-31521175-T-C. GRCh37 (hg19) VCF-style: chr18-29101138-T-C.
Other names: short protein forms I152T.
Identifiers: ClinVar variation 4686525 (VCV004686525.1).

ClinVar aggregate classification (germline): Uncertain significance (1 of 4 stars; one submission).

gnomAD v4.1: 1 of 1,613,638 alleles (0.000062%); highest among the groups gnomAD compares: Non-Finnish European, 0.000085%; no homozygotes.

Submission:

GeneDx
Classification: Uncertain significance. Last evaluated: 2025-07-17. Review status: criteria provided, single submitter. Criteria: GeneDx Variant Classification Process June 2021. Collection method: clinical testing. Allele origin: germline. Affected: yes.
Comment: Not observed at significant frequency in large population cohorts (gnomAD); In silico analysis supports that this missense variant has a deleterious effect on protein structure/function; Has not been previously published as pathogenic or benign to our knowledge